The following is an entry in ClinVar:

NM_004667.6(HERC2):c.10371C>A (p.Ile3457=)

Gene: HERC2 (HECT and RLD domain containing E3 ubiquitin protein ligase 2; minus strand). Cytogenetic location: 15q13.1.
Variant type: single nucleotide variant.
Coding change: c.10371C>A on transcript NM_004667.6 (MANE Select); coding-DNA position 10371, C replaced by A.
Protein change: p.Ile3457=; no amino-acid change (isoleucine 3457 retained).
Molecular consequence: synonymous variant.
Genome position (GRCh38, 1-based): chr15:28,168,449, G>T on the plus strand (C>A on the coding strand, the complement: HERC2 is on the minus strand). VCF-style: chr15-28168449-G-T. GRCh37 (hg19) VCF-style: chr15-28413595-G-T.
Identifiers: ClinVar variation 3043683 (VCV003043683.2), dbSNP rs146213654, ClinGen allele CA7440869.
Genomic context (GRCh38, chr15:28,168,449, plus strand): 5'-CTTTAGATTCGCTTTTACCTCTCTCTTTTCTTGCCATGGATTTGGACTCAGTCTGTCTTC[G>T]ATATCAACAGCCAGCATGCATTCTTCTCCATTCATGGGACTAGCCATCGCAGATGCGTCG-3'
Protein context (NP_004658.3, residues 3447-3467): NGEECMLAVD[Ile3457=]EDRLSPNPWQ

ClinVar aggregate classification (germline): Likely benign (0 of 4 stars; one submission).

Conditions:
HERC2-related disorder. Also called: HERC2-related condition.

Allele frequency attached by ClinVar (database versions not stated): ESP Exome Variant Server 0.00031; TOPMed 0.00031; gnomAD 0.00032.
gnomAD v4.1: 78 of 1,613,846 alleles (0.0048%); highest among the groups gnomAD compares: African/African-American, 0.1%; no homozygotes.

Submission:

PreventionGenetics, part of Exact Sciences
Classification: Likely benign for HERC2-related condition. Last evaluated: 2022-09-15. Review status: no assertion criteria provided. Collection method: clinical testing. Allele origin: germline.
Comment: This variant is classified as likely benign based on ACMG/AMP sequence variant interpretation guidelines (Richards et al. 2015 PMID: 25741868, with internal and published modifications).